The following is an entry in ClinVar:

ClinVar aggregate classification (germline): Uncertain significance (1 of 4 stars; one submission).

Allele frequency attached by ClinVar (database versions not stated): ExAC 0.00001; TOPMed 0.00001.
gnomAD v4.1: 10 of 1,613,618 alleles (0.00062%); highest among the groups gnomAD compares: Non-Finnish European, 0.00076%; no homozygotes.

Submission:

Labcorp Genetics (formerly Invitae), Labcorp
Classification: Uncertain significance. Last evaluated: 2025-05-19. Review status: criteria provided, single submitter. Criteria: Invitae Variant Classification Sherloc (09022015). Collection method: clinical testing. Allele origin: germline.
Comment: This sequence change replaces glutamic acid, which is acidic and polar, with lysine, which is basic and polar, at codon 107 of the RIPK1 protein (p.Glu107Lys). This variant is present in population databases (rs765452429, gnomAD 0.0009%). This variant has not been reported in the literature in individuals affected with RIPK1-related conditions. ClinVar contains an entry for this variant (Variation ID: 1930243). An algorithm developed to predict the effect of missense changes on protein structure and function outputs the following: PolyPhen-2: "Benign". The lysine amino acid residue is found in multiple mammalian species, which suggests that this missense change does not adversely affect protein function. In summary, the available evidence is currently insufficient to determine the role of this variant in disease. Therefore, it has been classified as a Variant of Uncertain Significance.

NM_001354930.2(RIPK1):c.319G>A (p.Glu107Lys)

Gene: RIPK1 (receptor interacting serine/threonine kinase 1; plus strand). Cytogenetic location: 6p25.2.
Variant type: single nucleotide variant.
Coding change: c.319G>A on transcript NM_001354930.2 (MANE Select); coding-DNA position 319, G replaced by A.
Protein change: p.Glu107Lys; replaces glutamic acid 107 with lysine.
Molecular consequence: missense variant. On other transcripts: 5 prime UTR variant (4).
Genome position (GRCh38, 1-based): chr6:3,077,933, G>A. VCF-style: chr6-3077933-G-A. GRCh37 (hg19) VCF-style: chr6-3078167-G-A.
Other names: c.-285G>A (NM_001317061.3, NM_001354932.2, NM_001354933.2 and 1 more transcripts); c.319G>A, p.Glu107Lys (NM_001354931.2, NM_003804.6); short protein forms E107K.
Identifiers: ClinVar variation 1930243 (VCV001930243.5), dbSNP rs765452429, ClinGen allele CA3618138.